The following is an entry in ClinVar:

ClinVar aggregate classification (germline): Pathogenic (1 of 4 stars; one submission).

Conditions:
RASopathy. Also called: rasopathies; Noonan spectrum disorder. Identifiers: Orphanet 536391, MedGen C5555857, MONDO:0021060.

Submission:

Labcorp Genetics (formerly Invitae), Labcorp
Classification: Pathogenic for RASopathy. Last evaluated: 2019-11-13. Review status: criteria provided, single submitter. Criteria: Invitae Variant Classification Sherloc (09022015). Collection method: clinical testing. Allele origin: germline.
Comment: For these reasons, this variant has been classified as Pathogenic. Loss-of-function variants in PTPN11 are known to be pathogenic (PMID: 20577567, 21533187). This variant has not been reported in the literature in individuals with PTPN11-related conditions. This variant is not present in population databases (ExAC no frequency). This sequence change creates a premature translational stop signal (p.Met383Asnfs*4) in the PTPN11 gene. It is expected to result in an absent or disrupted protein product.

Literature cited by the submitters: PubMed 20577567; PubMed 21533187.

NM_002834.5(PTPN11):c.1147dup (p.Met383fs)

Gene: PTPN11 (protein tyrosine phosphatase non-receptor type 11; plus strand). Cytogenetic location: 12q24.13.
Variant type: Duplication.
Coding change: c.1147dup on transcript NM_002834.5 (MANE Select); coding-DNA position 1147, one base duplicated (A; older notation c.1147dupA).
Protein change: p.Met383fs; shifts the reading frame from methionine 383.
Molecular consequence: frameshift variant.
Genome position (GRCh38, 1-based): chr12:112,482,128, A duplicated. VCF-style (leftmost placement, unchanged base first): chr12-112482127-C-CA. GRCh37 (hg19) VCF-style: chr12-112919931-C-CA.
Other names: c.1147dup, p.Met383fs (NM_001330437.2, NM_080601.3); c.1144dup, p.Met382fs (NM_001374625.1); short protein forms M382fs, M383fs.
Identifiers: ClinVar variation 963962 (VCV000963962.7), dbSNP rs2038606313, ClinGen allele CA1139662892.